The following is an entry in ClinVar:

ClinVar aggregate classification (germline): Uncertain significance (1 of 4 stars; one submission).

Submission:

Labcorp Genetics (formerly Invitae), Labcorp
Classification: Uncertain significance. Last evaluated: 2022-01-03. Review status: criteria provided, single submitter. Criteria: Invitae Variant Classification Sherloc (09022015). Collection method: clinical testing. Allele origin: germline.
Comment: This variant, c.3547_3549dup, results in the insertion of 1 amino acid(s) of the COL7A1 protein (p.Ser1183dup), but otherwise preserves the integrity of the reading frame. This variant is not present in population databases (gnomAD no frequency). This variant has not been reported in the literature in individuals affected with COL7A1-related conditions. In summary, the available evidence is currently insufficient to determine the role of this variant in disease. Therefore, it has been classified as a Variant of Uncertain Significance.

NM_000094.4(COL7A1):c.3547_3549dup (p.Ser1183_Gly1184insSer)

Gene: COL7A1 (collagen type VII alpha 1 chain; minus strand). Cytogenetic location: 3p21.31.
Variant type: Duplication.
Coding change: c.3547_3549dup on transcript NM_000094.4 (MANE Select); coding-DNA positions 3547 to 3549, 3 bases duplicated (TCT; older notation c.3547_3549dupTCT).
Protein change: p.Ser1183_Gly1184insSer.
Molecular consequence: inframe insertion.
Genome position (GRCh38, 1-based): chr3:48,586,333-48,586,335, AGA duplicated on the plus strand (TCT on the coding strand, the reverse complement: COL7A1 is on the minus strand); duplicating any 3 consecutive bases within chr3:48,586,333-48,586,337 gives the same sequence; the c. name uses the placement nearest the transcript's 3' end. VCF-style (leftmost placement, unchanged base first): chr3-48586332-C-CAGA. GRCh37 (hg19) VCF-style: chr3-48623765-C-CAGA.
Identifiers: ClinVar variation 2073081 (VCV002073081.1), dbSNP rs2531207478, ClinGen allele CA2580069914.